The following is an entry in ClinVar:

ClinVar aggregate classification (germline): Uncertain significance (1 of 4 stars; one submission).

Conditions:
Methylcobalamin deficiency type cblG (HMAG). Also called: HOMOCYSTINURIA-MEGALOBLASTIC ANEMIA, cblG TYPE; HOMOCYSTINURIA-MEGALOBLASTIC ANEMIA, cblG COMPLEMENTATION TYPE; Functional methionine synthase deficiency type cblG; HOMOCYSTINURIA-MEGALOBLASTIC ANEMIA DUE TO DEFECT IN COBALAMIN METABOLISM, cblG COMPLEMENTATION TYPE. Identifiers: Orphanet 2170, Orphanet 622, MedGen C1855128, MONDO:0009609, OMIM 250940.

Submission:

Labcorp Genetics (formerly Invitae), Labcorp
Classification: Uncertain significance for Methylcobalamin deficiency type cblG. Last evaluated: 2022-04-08. Review status: criteria provided, single submitter. Criteria: Invitae Variant Classification Sherloc (09022015). Collection method: clinical testing. Allele origin: germline.
Comment: In summary, the available evidence is currently insufficient to determine the role of this variant in disease. Therefore, it has been classified as a Variant of Uncertain Significance. Algorithms developed to predict the effect of missense changes on protein structure and function are either unavailable or do not agree on the potential impact of this missense change (SIFT: "Deleterious"; PolyPhen-2: "Probably Damaging"; Align-GVGD: "Class C15"). This variant has not been reported in the literature in individuals affected with MTR-related conditions. This variant is not present in population databases (gnomAD no frequency). This sequence change replaces asparagine, which is neutral and polar, with aspartic acid, which is acidic and polar, at codon 539 of the MTR protein (p.Asn539Asp).

NM_000254.3(MTR):c.1615A>G (p.Asn539Asp)

Gene: MTR (5-methyltetrahydrofolate-homocysteine methyltransferase; plus strand). Cytogenetic location: 1q43.
Variant type: single nucleotide variant.
Coding change: c.1615A>G on transcript NM_000254.3 (MANE Select); coding-DNA position 1615, A replaced by G.
Protein change: p.Asn539Asp; replaces asparagine 539 with aspartic acid.
Molecular consequence: missense variant.
Genome position (GRCh38, 1-based): chr1:236,850,443, A>G. VCF-style: chr1-236850443-A-G. GRCh37 (hg19) VCF-style: chr1-237013743-A-G.
Other names: c.1615A>G, p.Asn539Asp (NM_001291939.1, NM_001410942.1); c.394A>G, p.Asn132Asp (NM_001291940.2); short protein forms N132D, N539D.
Identifiers: ClinVar variation 2122981 (VCV002122981.4), dbSNP rs1028473570, ClinGen allele CA39743313.